The following is an entry in ClinVar:

ClinVar aggregate classification (germline): Uncertain significance (1 of 4 stars; one submission).

Conditions:
Auriculocondylar syndrome 2 (ARCND2A). Also called: AURICULOCONDYLAR SYNDROME 2A. Identifiers: Orphanet 137888, MedGen C3553404, MONDO:0013845, OMIM 614669.

Submission:

Centre for Mendelian Genomics, University Medical Centre Ljubljana
Classification: Uncertain significance for Auriculocondylar syndrome 2. Last evaluated: 2020-03-17. Review status: criteria provided, single submitter. Criteria: ACMG Guidelines, 2015. Collection method: clinical testing. Allele origin: unknown. Affected: yes.
Comment: This variant was classified as: Uncertain significance. The available evidence on this variant's pathogenicity is insufficient or conflicting. The following ACMG criteria were applied in classifying this variant: PM2,PP2,BP4.

NM_001377142.1(PLCB4):c.591T>A (p.Asp197Glu)

Gene: PLCB4 (phospholipase C beta 4; plus strand). Cytogenetic location: 20p12.2.
Variant type: single nucleotide variant.
Coding change: c.591T>A on transcript NM_001377142.1 (MANE Select); coding-DNA position 591, T replaced by A.
Protein change: p.Asp197Glu; replaces aspartic acid 197 with glutamic acid.
Molecular consequence: missense variant.
Genome position (GRCh38, 1-based): chr20:9,372,308, T>A. VCF-style: chr20-9372308-T-A. GRCh37 (hg19) VCF-style: chr20-9352955-T-A.
Other names: c.591T>A, p.Asp197Glu (NM_000933.4, NM_001172646.2, NM_001377134.2 and 4 more transcripts); short protein forms D197E.
Identifiers: ClinVar variation 931883 (VCV000931883.3), dbSNP rs532652161, ClinGen allele CA408215000.